The following is an entry in ClinVar:

NM_000303.3(PMM2):c.534C>T (p.Ile178=)

Gene: PMM2 (phosphomannomutase 2; plus strand). Cytogenetic location: 16p13.2.
Variant type: single nucleotide variant.
Coding change: c.534C>T on transcript NM_000303.3 (MANE Select); coding-DNA position 534, C replaced by T.
Protein change: p.Ile178=; no amino-acid change (isoleucine 178 retained).
Molecular consequence: synonymous variant.
Genome position (GRCh38, 1-based): chr16:8,813,001, C>T. VCF-style: chr16-8813001-C-T. GRCh37 (hg19) VCF-style: chr16-8906858-C-T.
Other names: c.534C>T (NM_000303.2).
Identifiers: ClinVar variation 1971764 (VCV001971764.7), dbSNP rs761527100, ClinGen allele CA277491991.

ClinVar aggregate classification (germline): Likely benign. Review status: criteria provided, single submitter (1 of 4 stars). 2 submissions from 2 submitters: Likely benign (1). 1 of the submissions does not count toward it. Last evaluated 2023-11-03.

Conditions:
PMM2-congenital disorder of glycosylation. Also called: CARBOHYDRATE-DEFICIENT GLYCOPROTEIN SYNDROME, TYPE Ia; CDG Ia; JAEKEN SYNDROME; PMM2-CDG; Congenital disorder of glycosylation, type Ia; PHOSPHOMANNOMUTASE 2 DEFICIENCY. Identifiers: Orphanet 79318, MedGen C0349653, MONDO:0008907, OMIM 212065.
PMM2-related disorder. Also called: PMM2-related condition.

Allele frequency attached by ClinVar (database versions not stated): gnomAD exomes below 0.00001.

Submissions (2):

Labcorp Genetics (formerly Invitae), Labcorp
Classification: Likely benign for PMM2-congenital disorder of glycosylation. Last evaluated: 2023-11-03. Review status: criteria provided, single submitter. Criteria: Invitae Variant Classification Sherloc (09022015). Collection method: clinical testing. Allele origin: germline.

PreventionGenetics, part of Exact Sciences
Classification: Likely benign for PMM2-related condition. Last evaluated: 2021-10-06. Review status: no assertion criteria provided. Collection method: clinical testing. Allele origin: germline. Not counted in ClinVar's aggregate classification.
Comment: This variant is classified as likely benign based on ACMG/AMP sequence variant interpretation guidelines (Richards et al. 2015 PMID: 25741868, with internal and published modifications).